The following is an entry in ClinVar:

ClinVar aggregate classification (germline): Likely pathogenic (1 of 4 stars; one submission).

Submission:

Labcorp Genetics (formerly Invitae), Labcorp
Classification: Likely pathogenic. Last evaluated: 2020-09-17. Review status: criteria provided, single submitter. Criteria: Invitae Variant Classification Sherloc (09022015). Collection method: clinical testing. Allele origin: germline.
Comment: In summary, the currently available evidence indicates that the variant is pathogenic, but additional data are needed to prove that conclusively. Therefore, this variant has been classified as Likely Pathogenic. This variant is an in-frame deletion of the genomic region encompassing exon(s) 8 of the MLC1 gene. It preserves the integrity of the reading frame. This variant has not been reported in the literature in individuals with MLC1-related conditions. This variant disrupts the p.Gly212 amino acid residue in MLC1. Other variant(s) that disrupt this residue have been determined to be pathogenic (PMID: 11254442, 18757878, 21145992, 27322623). This suggests that this residue is clinically significant, and that variants that disrupt this residue are likely to be disease-causing.

Literature cited by the submitters: PubMed 11254442; PubMed 18757878; PubMed 21145992; PubMed 27322623.

NC_000022.10:g.(?_50512635)_(50512771_?)del

Gene: MLC1 (modulator of VRAC current 1; minus strand). Cytogenetic location: 22q13.33.
Variant type: Deletion.
Identifiers: ClinVar variation 1068452 (VCV001068452.7).